The following is an entry in ClinVar:

NM_000064.4(C3):c.640C>T (p.Pro214Ser)

Gene: C3 (complement C3; minus strand). Cytogenetic location: 19p13.3.
Variant type: single nucleotide variant.
Coding change: c.640C>T on transcript NM_000064.4 (MANE Select); coding-DNA position 640, C replaced by T.
Protein change: p.Pro214Ser; replaces proline 214 with serine.
Molecular consequence: missense variant.
Genome position (GRCh38, 1-based): chr19:6,714,208, G>A on the plus strand (C>T on the coding strand, the complement: C3 is on the minus strand). VCF-style: chr19-6714208-G-A. GRCh37 (hg19) VCF-style: chr19-6714219-G-A.
Other names: short protein forms P214S.
Identifiers: ClinVar variation 202203 (VCV000202203.5), dbSNP rs794729228, ClinGen allele CA275482.

ClinVar aggregate classification (germline): Uncertain significance. Review status: criteria provided, multiple submitters, no conflicts (2 of 4 stars). 3 submissions from 3 submitters: Uncertain significance (2). 1 of the submissions does not count toward it. Last evaluated 2025-09-30.

Conditions:
Atypical hemolytic-uremic syndrome with C3 anomaly. Also called: AHUS, SUSCEPTIBILITY TO, 5. Identifiers: Orphanet 2134, MedGen C2752037, MONDO:0013043, OMIM 612925.
Atypical hemolytic-uremic syndrome. Identifiers: Orphanet 2134, MedGen C2931788, MONDO:0016244.

Submissions (3):

Genomenon, Inc
Classification: Uncertain significance for Atypical hemolytic-uremic syndrome. Last evaluated: 2025-09-30. Review status: criteria provided, single submitter. Criteria: Genomenon Sequence Variant Interpretation Standards. Collection method: curation. Allele origin: germline. Affected: yes.
Comment: C3 p.Pro214Ser (c.640C>T) is a missense variant that changes the amino acid at residue 214 from Proline to Serine. This variant has been observed in at least one proband affected with atypical hemolytic-uremic syndrome (PMID:29511899). It is absent or not present at a significant frequency in gnomAD. In conclusion, we classify C3 p.Pro214Ser (c.640C>T) as a variant of unknown significance.

Labcorp Genetics (formerly Invitae), Labcorp
Classification: Uncertain significance. Last evaluated: 2023-08-04. Review status: criteria provided, single submitter. Criteria: Invitae Variant Classification Sherloc (09022015). Collection method: clinical testing. Allele origin: germline.
Comment: In summary, the available evidence is currently insufficient to determine the role of this variant in disease. Therefore, it has been classified as a Variant of Uncertain Significance. This sequence change replaces proline, which is neutral and non-polar, with serine, which is neutral and polar, at codon 214 of the C3 protein (p.Pro214Ser). This variant is not present in population databases (gnomAD no frequency). This missense change has been observed in individual(s) with C3-related conditions (PMID: 29888403). ClinVar contains an entry for this variant (Variation ID: 202203). Advanced modeling of protein sequence and biophysical properties (such as structural, functional, and spatial information, amino acid conservation, physicochemical variation, residue mobility, and thermodynamic stability) performed at Invitae indicates that this missense variant is not expected to disrupt C3 protein function.

Mendelics
Classification: Likely pathogenic for Atypical hemolytic-uremic syndrome 5. Last evaluated: 2013-12-20. Review status: no assertion criteria provided. Collection method: clinical testing. Allele origin: unknown. Affected: yes. Not counted in ClinVar's aggregate classification.

Literature cited by the submitters: PubMed 29511899 (cited by Genomenon, Inc); PubMed 29888403 (cited by Labcorp Genetics (formerly Invitae), Labcorp); PubMed 18796626 (cited by Mendelics); PubMed 20301541 (cited by Mendelics).